The following is an entry in ClinVar:

ClinVar aggregate classification (germline): Uncertain significance (1 of 4 stars; one submission).

Conditions:
Progressive familial heart block type IB (PFHB1B). Identifiers: Orphanet 871, MedGen C1970298, MONDO:0011474, OMIM 604559.

Submission:

Labcorp Genetics (formerly Invitae), Labcorp
Classification: Uncertain significance for Progressive familial heart block type IB. Last evaluated: 2018-05-09. Review status: criteria provided, single submitter. Criteria: Invitae Variant Classification Sherloc (09022015). Collection method: clinical testing. Allele origin: germline.
Comment: This variant has not been reported in the literature in individuals with TRPM4-related disease. This variant is not present in population databases (ExAC no frequency). This variant, c.2575_2580delTACCTC, results in the deletion of 2 amino acids of the TRPM4 protein (p.Tyr859_Leu860del), but otherwise preserves the integrity of the reading frame. In summary, the available evidence is currently insufficient to determine the role of this variant in disease. Therefore, it has been classified as a Variant of Uncertain Significance. Experimental studies and prediction algorithms are not available for this variant, and the functional significance of the deleted amino acids is currently unknown.

NM_017636.4(TRPM4):c.2575_2580del (p.Tyr859_Leu860del)

Gene: TRPM4 (transient receptor potential cation channel subfamily M member 4; plus strand). Cytogenetic location: 19q13.33.
Variant type: Deletion.
Coding change: c.2575_2580del on transcript NM_017636.4 (MANE Select); coding-DNA positions 2575 to 2580, 6 bases deleted (TACCTC; older notation c.2575_2580delTACCTC).
Protein change: p.Tyr859_Leu860del.
Molecular consequence: inframe deletion. On other transcripts: intron variant (1).
Genome position (GRCh38, 1-based): chr19:49,196,804-49,196,809, TACCTC deleted; deleting any 6 consecutive bases within chr19:49,196,800-49,196,809 gives the same sequence; the c. name uses the placement nearest the transcript's 3' end. VCF-style (leftmost placement, unchanged base first): chr19-49196799-GCCTCTA-G. GRCh37 (hg19) VCF-style: chr19-49700056-GCCTCTA-G.
Other names: c.2230_2235del, p.Tyr744_Leu745del (NM_001321281.2); c.967_972del, p.Tyr323_Leu324del (NM_001321282.2); c.2053_2058del, p.Tyr685_Leu686del (NM_001321283.2); c.1513_1518del, p.Tyr505_Leu506del (NM_001321285.2); c.2211-3496_2211-3491del (NM_001195227.2).
Identifiers: ClinVar variation 577346 (VCV000577346.8), dbSNP rs1568485132, ClinGen allele CA891844393.